The following is an entry in ClinVar:

ClinVar aggregate classification (germline): Uncertain significance (1 of 4 stars; one submission).

Conditions:
TTC8-related disorder. Also called: TTC8-related condition.

gnomAD v4.1: 7 of 1,613,082 alleles (0.00043%); highest among the groups gnomAD compares: Non-Finnish European, 0.00059%; no homozygotes.

Submission:

PreventionGenetics, part of Exact Sciences
Classification: Uncertain significance for TTC8-related condition. Last evaluated: 2026-05-06. Review status: criteria provided, single submitter. Criteria: ACMG Guidelines, 2015. Collection method: clinical testing. Allele origin: germline.
Comment: The TTC8 c.794C>A variant is predicted to result in the amino acid substitution p.Ala265Glu. To our knowledge, this variant has not been reported in the literature or in a large population database (gnomAD), indicating this variant is rare. At this time, the clinical significance of this variant is uncertain due to the absence of conclusive functional and genetic evidence.

NM_144596.4(TTC8):c.794C>A (p.Ala265Glu)

Gene: TTC8 (tetratricopeptide repeat domain 8; plus strand). Cytogenetic location: 14q31.3.
Variant type: single nucleotide variant.
Coding change: c.794C>A on transcript NM_144596.4 (MANE Select); coding-DNA position 794, C replaced by A.
Protein change: p.Ala265Glu; replaces alanine 265 with glutamic acid.
Molecular consequence: missense variant. On other transcripts: non-coding transcript variant (1).
Genome position (GRCh38, 1-based): chr14:88,857,273, C>A. VCF-style: chr14-88857273-C-A. GRCh37 (hg19) VCF-style: chr14-89323617-C-A.
Other names: c.842C>A, p.Ala281Glu (NM_001288781.1); c.200C>A, p.Ala67Glu (NM_001288782.1); c.77C>A, p.Ala26Glu (NM_001288783.1); c.764C>A, p.Ala255Glu (NM_001366535.2, NM_198309.3); c.674C>A, p.Ala225Glu (NM_001366536.2, NM_198310.3); short protein forms A67E, A225E, A26E, A281E, A255E, A265E.
Identifiers: ClinVar variation 4991812 (VCV004991812.1).